The following is an entry in ClinVar:

NM_021615.5(CHST6):c.*3883T>G

Gene: CHST6 (carbohydrate sulfotransferase 6; minus strand). Cytogenetic location: 16q23.1.
Variant type: single nucleotide variant.
Coding change: c.*3883T>G on transcript NM_021615.5 (MANE Select); 3883 bases downstream of the stop codon, T replaced by G.
Molecular consequence: 3 prime UTR variant.
Genome position (GRCh38, 1-based): chr16:75,474,758, A>C on the plus strand (T>G on the coding strand, the complement: CHST6 is on the minus strand). VCF-style: chr16-75474758-A-C. GRCh37 (hg19) VCF-style: chr16-75508656-A-C.
Identifiers: ClinVar variation 884850 (VCV000884850.4), dbSNP rs138114811, ClinGen allele CA283849827.

ClinVar aggregate classification (germline): Likely benign (1 of 4 stars; one submission).

Conditions:
Macular corneal dystrophy (MCD). Also called: Macular corneal dystrophy Type I; GROENOUW TYPE II CORNEAL DYSTROPHY. Identifiers: Orphanet 98969, MedGen C1636149, MONDO:0009020, OMIM 217800.

Allele frequency attached by ClinVar (database versions not stated): 1000 Genomes Project 0.00339; 1000 Genomes Project 30x 0.00344; TOPMed 0.00662; gnomAD 0.00694 and 0.00736; gnomAD exomes 0.00875.
gnomAD v4.1: 3,200 of 398,412 alleles (0.8%); highest among the groups gnomAD compares: Non-Finnish European, 1%; 18 homozygotes.

Submission:

Illumina Laboratory Services, Illumina
Classification: Likely benign for Macular corneal dystrophy. Last evaluated: 2018-01-12. Review status: criteria provided, single submitter. Criteria: ICSL Variant Classification Criteria 13 December 2019. Collection method: clinical testing. Allele origin: germline.
Comment: This variant was observed in the ICSL laboratory as part of a predisposition screen in an ostensibly healthy population. It had not been previously curated by ICSL or reported in the Human Gene Mutation Database (HGMD: prior to June 1st, 2018), and was therefore a candidate for classification through an automated scoring system. Utilizing variant allele frequency, disease prevalence and penetrance estimates, and inheritance mode, an automated score was calculated to assess if this variant is too frequent to cause the disease. Based on the score and internal cut-off values, a variant classified as likely benign is not then subjected to further curation. The score for this variant resulted in a classification of likely benign for this disease.